The following is an entry in ClinVar:

ClinVar aggregate classification (germline): Uncertain significance. Review status: criteria provided, multiple submitters, no conflicts (2 of 4 stars). 3 submissions from 3 submitters: Uncertain significance (3). Last evaluated 2025-02-23.

Conditions:
Inborn genetic diseases. Identifiers: MedGen C0950123, MeSH D030342.
Congenital insensitivity to pain-hypohidrosis syndrome. Also called: HSAN VIII; Neuropathy, hereditary sensory and autonomic, type VIII. Identifiers: Orphanet 478664, MedGen C4225308, MONDO:0014662, OMIM 616488.

Allele frequency attached by ClinVar (database versions not stated): gnomAD exomes 0.00002 and 0.00003; ExAC 0.00003; TOPMed 0.00003; gnomAD 0.00005.

Submissions (3):

Mayo Clinic Laboratories, Mayo Clinic
Classification: Uncertain significance. Last evaluated: 2025-02-23. Review status: criteria provided, single submitter. Criteria: ACMG Guidelines, 2015. Collection method: clinical testing. Allele origin: germline. Observed: 1 variant allele.
Comment: BP4

Labcorp Genetics (formerly Invitae), Labcorp
Classification: Uncertain significance for Congenital insensitivity to pain-hypohidrosis syndrome. Last evaluated: 2022-07-27. Review status: criteria provided, single submitter. Criteria: Invitae Variant Classification Sherloc (09022015). Collection method: clinical testing. Allele origin: germline.
Comment: In summary, the available evidence is currently insufficient to determine the role of this variant in disease. Therefore, it has been classified as a Variant of Uncertain Significance. Variants that disrupt the consensus splice site are a relatively common cause of aberrant splicing (PMID: 17576681, 9536098). Algorithms developed to predict the effect of sequence changes on RNA splicing suggest that this variant may disrupt the consensus splice site. Algorithms developed to predict the effect of missense changes on protein structure and function are either unavailable or do not agree on the potential impact of this missense change (SIFT: "Deleterious"; PolyPhen-2: "Benign"; Align-GVGD: "Class C0"). ClinVar contains an entry for this variant (Variation ID: 1417741). This variant has not been reported in the literature in individuals affected with PRDM12-related conditions. This variant is present in population databases (rs762081941, gnomAD 0.006%). This sequence change replaces glutamic acid, which is acidic and polar, with glutamine, which is neutral and polar, at codon 228 of the PRDM12 protein (p.Glu228Gln). This variant also falls at the last nucleotide of exon 4, which is part of the consensus splice site for this exon.

Ambry Genetics
Classification: Uncertain significance for Inborn genetic diseases. Last evaluated: 2019-09-18. Review status: criteria provided, single submitter. Criteria: Ambry Variant Classification Scheme 2023. Collection method: clinical testing. Allele origin: germline.
Comment: The c.682G>C variant (also known as p.E228Q), located in coding exon 4 of the PRDM12 gene, results from a G to C substitution at nucleotide position 682. This change occurs in the last base pair of coding exon 4, which makes it likely to have some effect on normal mRNA splicing. In addition to potential splicing impact, this alteration changes the glutamic acid to glutamine at codon 228, an amino acid with highly similar properties. Both the nucleotide and amino acid positions are highly conserved in available vertebrate species. Using the BDGP and ESEfinder splice site prediction tools, this alteration is predicted to abolish the native splice donor site; however, direct evidence is unavailable. In addition, this amino acid alteration is predicted to be tolerated by in silico analysis. Since supporting evidence is limited at this time, the clinical significance of this alteration remains unclear.

Literature cited by the submitters: PubMed 17576681 (cited by Labcorp Genetics (formerly Invitae), Labcorp); PubMed 9536098 (cited by Labcorp Genetics (formerly Invitae), Labcorp).

NM_021619.3(PRDM12):c.682G>C (p.Glu228Gln)

Gene: PRDM12 (PR/SET domain 12; plus strand). Cytogenetic location: 9q34.12.
Variant type: single nucleotide variant.
Coding change: c.682G>C on transcript NM_021619.3 (MANE Select); coding-DNA position 682, G replaced by C.
Protein change: p.Glu228Gln; replaces glutamic acid 228 with glutamine.
Molecular consequence: missense variant.
Genome position (GRCh38, 1-based): chr9:130,678,640, G>C. VCF-style: chr9-130678640-G-C. GRCh37 (hg19) VCF-style: chr9-133554027-G-C.
Other names: p.Glu228Gln; short protein forms E228Q.
Identifiers: ClinVar variation 1417741 (VCV001417741.9), dbSNP rs762081941, ClinGen allele CA5284624.